The following is an entry in ClinVar:

NM_001394372.1(BICRA):c.2060_2061insT (p.Thr688fs)

Gene: BICRA (BRD4 interacting chromatin remodeling complex associated protein; plus strand). Cytogenetic location: 19q13.33.
Variant type: Insertion.
Coding change: c.2060_2061insT on transcript NM_001394372.1 (MANE Select); coding-DNA positions 2060 to 2061, T inserted.
Protein change: p.Thr688fs; shifts the reading frame from threonine 688.
Molecular consequence: frameshift variant.
Genome position: GRCh38 VCF-style: chr19-47681230-C-CT. GRCh37 (hg19) VCF-style: chr19-48184487-C-CT.
Other names: c.2060_2061insT, p.Thr688fs (NM_015711.3); short protein forms T688fs.
Identifiers: ClinVar variation 4991824 (VCV004991824.1).
Genomic context (GRCh38, chr19:47,681,230, plus strand): 5'-GCCCTGGCCTGGCGTCTAGCCCGGAGAAGATCGTCCTGGGGCAGCCGCCCTCTGCCACCC[C>CT]CACGGCCATCCTCACTCAGGACTCCCTGCAGATGTTCCTGCCCCAGGTAAGCAGGGCGGG-3'

ClinVar aggregate classification (germline): Likely pathogenic (1 of 4 stars; one submission).

Conditions:
BICRA-related disorder. Also called: BICRA-related condition.

Submission:

PreventionGenetics, part of Exact Sciences
Classification: Likely pathogenic for BICRA-related condition. Last evaluated: 2026-02-11. Review status: criteria provided, single submitter. Criteria: ACMG Guidelines, 2015. Collection method: clinical testing. Allele origin: germline.
Comment: The BICRA c.2060_2061insT variant is predicted to result in a frameshift and premature protein termination (p.Thr688Hisfs*183). To our knowledge, this variant has not been reported in the literature or in a large population database (gnomAD), indicating this variant is rare. Frameshift variants in BICRA are expected to be pathogenic. This variant is interpreted as likely pathogenic.